The following is an entry in ClinVar:

NM_001289104.2(PRKCSH):c.598+4T>C

Gene: PRKCSH (PRKCSH beta subunit of glucosidase II; plus strand). Cytogenetic location: 19p13.2.
Variant type: single nucleotide variant.
Coding change: c.598+4T>C on transcript NM_001289104.2 (MANE Select); 4 bases into the intron after coding-DNA position 598, T replaced by C.
Molecular consequence: intron variant.
Genome position (GRCh38, 1-based): chr19:11,442,519, T>C. VCF-style: chr19-11442519-T-C. GRCh37 (hg19) VCF-style: chr19-11553334-T-C.
Other names: c.598+4T>C (NM_001289103.2, NM_001379609.1, NM_001379608.1 and 3 more transcripts).
Identifiers: ClinVar variation 3614215 (VCV003614215.2).
Genomic context (GRCh38, chr19:11,442,519, plus strand): 5'-AGGAAGCTGAGAAGCCAGAGAGAGAGGCCAAAGAGCAGCACCAGAAGCTGTGGGAAGGTA[T>C]GGCAGAAATGGCCAAGGACTCACCTTCAGTCCTGGGTGGGAGCAGGTCTGGGCCTAGGAG-3'

ClinVar aggregate classification (germline): Uncertain significance (1 of 4 stars; one submission).

gnomAD v4.1: 14 of 1,609,450 alleles (0.00087%); highest among the groups gnomAD compares: Non-Finnish European, 0.0011%; no homozygotes.

Submission:

Labcorp Genetics (formerly Invitae), Labcorp
Classification: Uncertain significance. Last evaluated: 2024-02-25. Review status: criteria provided, single submitter. Criteria: Invitae Variant Classification Sherloc (09022015). Collection method: clinical testing. Allele origin: germline.
Comment: This sequence change falls in intron 7 of the PRKCSH gene. It does not directly change the encoded amino acid sequence of the PRKCSH protein. It affects a nucleotide within the consensus splice site. This variant is present in population databases (rs763988110, gnomAD 0.002%). This variant has not been reported in the literature in individuals affected with PRKCSH-related conditions. Variants that disrupt the consensus splice site are a relatively common cause of aberrant splicing (PMID: 17576681, 9536098). Algorithms developed to predict the effect of sequence changes on RNA splicing suggest that this variant is not likely to affect RNA splicing. In summary, the available evidence is currently insufficient to determine the role of this variant in disease. Therefore, it has been classified as a Variant of Uncertain Significance.

Literature cited by the submitters: PubMed 17576681; PubMed 9536098.